The following is an entry in ClinVar:

ClinVar aggregate classification (germline): Uncertain significance (1 of 4 stars; one submission).

Conditions:
Chuvash polycythemia. Also called: POLYCYTHEMIA, VHL-DEPENDENT. Identifiers: Orphanet 238557, MedGen C1837915, MONDO:0009892, OMIM 263400.
Von Hippel-Lindau syndrome (VHLS). Also called: Von Hippel-Lindau; von Hippel–Lindau syndrome; VHL syndrome. Identifiers: Orphanet 892, MedGen C0019562, MONDO:0008667, OMIM 193300. Disease mechanism: loss of function.

Submission:

Labcorp Genetics (formerly Invitae), Labcorp
Classification: Uncertain significance for Von Hippel-Lindau syndrome; Chuvash polycythemia. Last evaluated: 2021-09-25. Review status: criteria provided, single submitter. Criteria: Invitae Variant Classification Sherloc (09022015). Collection method: clinical testing. Allele origin: germline.
Comment: In summary, the available evidence is currently insufficient to determine the role of this variant in disease. Therefore, it has been classified as a Variant of Uncertain Significance. Experimental studies and prediction algorithms are not available or were not evaluated, and the functional significance of this variant is currently unknown. This variant has not been reported in the literature in individuals affected with VHL-related conditions. The frequency data for this variant in the population databases is considered unreliable, as metrics indicate insufficient coverage at this position in the ExAC database. This sequence change falls in intron 1 of the VHL gene. It is not expected to change the encoded amino acid sequence of the VHL protein. However, this sequence change falls within a cryptic exon in the VHL gene, known as exon E1’, which is naturally expressed at low levels in several human tissues (PMID: 29891534).

Literature cited by the submitters: PubMed 29891534.

NM_000551.4(VHL):c.340+695del

Genes: VHL (von Hippel-Lindau tumor suppressor; plus strand), LOC107303340 (3p25 von Hippel-Lindau tumor suppressor, E3 ubiquitin protein ligase Alu-mediated recombination region; plus strand). Cytogenetic location: 3p25.3.
Variant type: Deletion.
Coding change: c.340+695del on transcript NM_000551.4 (MANE Select); 695 bases into the intron after coding-DNA position 340, one base deleted (A; older notation c.340+695delA).
Molecular consequence: intron variant. On other transcripts: frameshift variant (1).
Genome position (GRCh38, 1-based): chr3:10,142,882, A deleted; the last of 2 consecutive A bases (chr3:10,142,881-10,142,882); deleting either gives the same sequence. VCF-style (leftmost placement, unchanged base first): chr3-10142880-GA-G. GRCh37 (hg19) VCF-style: chr3-10184564-GA-G.
Other names: c.460del, p.Arg154fs (NM_001354723.2); c.340+695del (NM_198156.3); short protein forms R154fs.
Identifiers: ClinVar variation 1521212 (VCV001521212.6), dbSNP rs2125125992, ClinGen allele CA2573136118.
Genomic context (GRCh38, chr3:10,142,880, plus strand): 5'-TCCTCCTGGGGAGACTGACAGATGCAAAGACAGGAACAAGCCAGGGTCATGTTGGCGCCG[GA>G]AGAGCCGACCGTGTGTGGCGTGGGAAATTGACTTACCTGCCTGCTGGGAGATGGAGGGGT-3'